The following is an entry in ClinVar:

NM_031407.7(HUWE1):c.10225A>C (p.Lys3409Gln)

Gene: HUWE1 (HECT, UBA and WWE domain containing E3 ubiquitin protein ligase 1; minus strand). Cytogenetic location: Xp11.22.
Variant type: single nucleotide variant.
Coding change: c.10225A>C on transcript NM_031407.7 (MANE Select); coding-DNA position 10225, A replaced by C.
Protein change: p.Lys3409Gln; replaces lysine 3409 with glutamine.
Molecular consequence: missense variant.
Genome position (GRCh38, 1-based): chrX:53,548,084, T>G on the plus strand (A>C on the coding strand, the complement: HUWE1 is on the minus strand). VCF-style: chrX-53548084-T-G. GRCh37 (hg19) VCF-style: chrX-53575045-T-G.
Other names: c.10222A>C, p.Lys3408Gln (NM_001441048.1, NM_001441051.1, NM_001441053.1 and 2 more transcripts); c.10225A>C, p.Lys3409Gln (NM_001441049.1, NM_001441054.1, NM_001441057.1); c.10246A>C, p.Lys3416Gln (NM_001441050.1, NM_001441055.1); c.9823A>C, p.Lys3275Gln (NM_001441052.1); short protein forms K3275Q, K3408Q, K3409Q, K3416Q.
Identifiers: ClinVar variation 4531332 (VCV004531332.1).

ClinVar aggregate classification (germline): Uncertain significance (1 of 4 stars; one submission).

Conditions:
Intellectual developmental disorder, X-linked, syndromic, Turner type. Also called: X-linked intellectual disability, Turner type; Intellectual disability, X-linked syndromic, Turner type. Identifiers: Orphanet 3056, Orphanet 85328, MedGen C2678046, MONDO:0010407, OMIM 309590.

Submission:

Victorian Clinical Genetics Services, Murdoch Childrens Research Institute
Classification: Uncertain significance for Intellectual developmental disorder, X-linked, syndromic, Turner type. Last evaluated: 2025-09-24. Review status: criteria provided, single submitter. Criteria: ACMG Guidelines, 2015. Collection method: clinical testing. Allele origin: germline. Affected: yes.
Comment: This variant is classified as VUS-3B. Evidence in support of pathogenic classification: Variant is absent from gnomAD (v2, v3 and v4). Additional information: Variant is predicted to result in a missense amino acid change from Lys to Gln; This variant is hemizygous; This gene is associated with X-linked disease. Due to skewed X-inactivation, heterozygous females can be variably affected, ranging from asymptomatic to fully manifesting the condition (PMID: 29180823); This variant has no previous evidence of pathogenicity; No published evidence of segregation with disease has been identified for this variant; No published functional evidence has been identified for this variant; No comparable missense variants have previous evidence for pathogenicity; Variant is not located in an established domain, motif, hotspot or informative constraint region; Missense variant with inconclusive in silico prediction and uninformative conservation; Loss of function and gain of function are known mechanisms of disease in this gene and are associated with intellectual developmental disorder, X-linked syndromic, Turner type (MIM#309590) (PMID: 27130160).

Literature cited by the submitters: PubMed 27130160; PubMed 29180823.